The following is an entry in ClinVar:

ClinVar aggregate classification (germline): Uncertain significance (1 of 4 stars; one submission).

Submission:

GeneDx
Classification: Uncertain significance. Last evaluated: 2026-04-13. Review status: criteria provided, single submitter. Criteria: GeneDx Variant Classification Process June 2021. Collection method: clinical testing. Allele origin: germline.
Comment: Not observed at significant frequency in large population cohorts (gnomAD); In silico analysis suggests that this missense variant does not alter protein structure/function; Has not been previously published as pathogenic or benign to our knowledge

NM_012463.4(ATP6V0A2):c.130G>A (p.Val44Ile)

Gene: ATP6V0A2 (ATPase H+ transporting V0 subunit a2; plus strand). Cytogenetic location: 12q24.31.
Variant type: single nucleotide variant.
Coding change: c.130G>A on transcript NM_012463.4 (MANE Select); coding-DNA position 130, G replaced by A.
Protein change: p.Val44Ile; replaces valine 44 with isoleucine.
Molecular consequence: missense variant.
Genome position (GRCh38, 1-based): chr12:123,718,635, G>A. VCF-style: chr12-123718635-G-A. GRCh37 (hg19) VCF-style: chr12-124203182-G-A.
Other names: short protein forms V44I.
Identifiers: ClinVar variation 4536281 (VCV004536281.2).